The following is an entry in ClinVar:

ClinVar aggregate classification (germline): Uncertain significance (1 of 4 stars; one submission).

gnomAD v4.1: 15 of 1,614,138 alleles (0.00093%); highest among the groups gnomAD compares: South Asian, 0.016%; no homozygotes.

Submission:

Ambry Genetics
Classification: Uncertain significance. Last evaluated: 2024-12-08. Review status: criteria provided, single submitter. Criteria: Ambry Variant Classification Scheme 2023. Collection method: clinical testing. Allele origin: germline.
Comment: The p.A215P variant (also known as c.643G>C), located in coding exon 1 of the TET2 gene, results from a G to C substitution at nucleotide position 643. The alanine at codon 215 is replaced by proline, an amino acid with highly similar properties. This amino acid position is conserved. In addition, the in silico prediction for this alteration is inconclusive. Based on the available evidence, the clinical significance of this variant remains unclear.

NM_001127208.3(TET2):c.643G>C (p.Ala215Pro)

Genes: TET2 (tet methylcytosine dioxygenase 2; plus strand), TET2-AS1 (TET2 antisense RNA 1; minus strand). Cytogenetic location: 4q24.
Variant type: single nucleotide variant.
Coding change: c.643G>C on transcript NM_001127208.3 (MANE Select); coding-DNA position 643, G replaced by C.
Protein change: p.Ala215Pro; replaces alanine 215 with proline.
Molecular consequence: missense variant.
Genome position (GRCh38, 1-based): chr4:105,234,585, G>C. VCF-style: chr4-105234585-G-C. GRCh37 (hg19) VCF-style: chr4-106155742-G-C.
Other names: c.643G>C, p.Ala215Pro (NM_017628.4); short protein forms A215P.
Identifiers: ClinVar variation 3455389 (VCV003455389.1).